The following is an entry in ClinVar:

NM_014491.4(FOXP2):c.956_964delinsATG (p.Gly319_Ser322delinsAspAla)

Gene: FOXP2 (forkhead box P2; plus strand). Cytogenetic location: 7q31.1.
Variant type: Indel.
Coding change: c.956_964delinsATG on transcript NM_014491.4 (MANE Select); coding-DNA positions 956 to 964, GACAGTCTT replaced by ATG.
Protein change: p.Gly319_Ser322delinsAspAla.
Molecular consequence: inframe indel. On other transcripts: non-coding transcript variant (2).
Genome position (GRCh38, 1-based): chr7:114,642,590-114,642,598, GACAGTCTT replaced by ATG. VCF-style: chr7-114642590-GACAGTCTT-ATG. GRCh37 (hg19) VCF-style: chr7-114282645-GACAGTCTT-ATG.
Other names: c.953_961delinsATG, p.Gly318_Ser321delinsAspAla (NM_001172766.3); c.1031_1039delinsATG, p.Gly344_Ser347delinsAspAla (NM_001172767.2, NM_148898.4); c.-394_-386delGACAGTCTTinsATG (NM_001172777.1); c.956_964delinsATG, p.Gly319_Ser322delinsAspAla (NM_148899.3); c.1007_1015delinsATG, p.Gly336_Ser339delinsAspAla (NM_148900.4).
Identifiers: ClinVar variation 2499242 (VCV002499242.1), dbSNP rs2485386349, ClinGen allele CA2580076219.

ClinVar aggregate classification (germline): Uncertain significance (1 of 4 stars; one submission).

Submission:

GeneDx
Classification: Uncertain significance. Last evaluated: 2022-10-17. Review status: criteria provided, single submitter. Criteria: GeneDx Variant Classification Process June 2021. Collection method: clinical testing. Allele origin: germline. Affected: yes.
Comment: Not observed at significant frequency in large population cohorts (gnomAD); In-frame deletion of 4 amino acids and insertion of 2 different amino acids in a non-repeat region; In silico analysis supports a deleterious effect on protein structure/function; Has not been previously published as pathogenic or benign to our knowledge